The following is an entry in ClinVar:

ClinVar aggregate classification (germline): Uncertain significance (1 of 4 stars; one submission).

Submission:

Dasa
Classification: Uncertain significance. Last evaluated: 2026-05-25. Review status: criteria provided, single submitter. Criteria: DASA Assertion Criteria. Collection method: clinical testing. Allele origin: germline.
Comment: NM_006842.3(SF3B2):c.2399T>A (p.Met800Lys) is a missense variant that results in the substitution of methionine with lysine. This variant is rare in population databases. Computational prediction algorithms are consistent with a deleterious effect. The currently available literature and clinical evidence are not sufficient to establish a definitive association between this variant and the reported condition. Therefore, this variant is classified as a variant of uncertain significance.

NM_006842.3(SF3B2):c.2399T>A (p.Met800Lys)

Gene: SF3B2 (splicing factor 3b subunit 2; plus strand). Cytogenetic location: 11q13.1.
Variant type: single nucleotide variant.
Coding change: c.2399T>A on transcript NM_006842.3 (MANE Select); coding-DNA position 2399, T replaced by A.
Protein change: p.Met800Lys; replaces methionine 800 with lysine.
Molecular consequence: missense variant.
Genome position (GRCh38, 1-based): chr11:66,068,014, T>A. VCF-style: chr11-66068014-T-A. GRCh37 (hg19) VCF-style: chr11-65835485-T-A.
Other names: short protein forms M800K.
Identifiers: ClinVar variation 5020495 (VCV005020495.1).
Genomic context (GRCh38, chr11:66,068,014, plus strand): 5'-CACCTCAGCTCTTCACTGTGTTGCCAGAGAAGAGAACAGCCACTGTTGGAGGGGCCATGA[T>A]GGGATCAACCCACATTTATGACATGTCCACGGTGAGTACTTGGAGGATACTGCTTTTGGA-3'
Protein context (NP_006833.2, residues 790-810): KRTATVGGAM[Met800Lys]GSTHIYDMST